The following is an entry in ClinVar:

NC_000015.9:g.(?_72978569)_(75722716_?)del

Genes: ADPGK (ADP dependent glucokinase; minus strand), ARID3B (AT-rich interaction domain 3B; plus strand), BBS4 (Bardet-Biedl syndrome 4; plus strand), C15orf39 (chromosome 15 open reading frame 39; plus strand), CCDC33 (coiled-coil domain containing 33; plus strand) and 38 more. Cytogenetic location: 15q24.1-24.2.
Variant type: Deletion.
Identifiers: ClinVar variation 1353978 (VCV001353978.1).

ClinVar aggregate classification (germline): Pathogenic (1 of 4 stars; one submission).

Submission:

Labcorp Genetics (formerly Invitae), Labcorp
Classification: Pathogenic. Last evaluated: 2021-12-08. Review status: criteria provided, single submitter. Criteria: Invitae Variant Classification Sherloc (09022015). Collection method: clinical testing. Allele origin: germline.
Comment: A gross deletion of the genomic region encompassing the full coding sequence of the SIN3A gene has been identified. Loss-of-function variants in SIN3A are known to be pathogenic (PMID: 27399968). The boundaries of this event are unknown as they extend beyond the assayed region for this gene and therefore may encompass additional genes. Isolated whole-gene deletions of SIN3A have not been reported in the literature. However, larger copy number events that include this gene have been reported (PMID: 27399968). For these reasons, this variant has been classified as Pathogenic.

Literature cited by the submitters: PubMed 27399968.